The following is an entry in ClinVar:

ClinVar aggregate classification (germline): Uncertain significance. Review status: criteria provided, multiple submitters, no conflicts (2 of 4 stars). 3 submissions from 3 submitters: Uncertain significance (3). Last evaluated 2025-04-13.

Conditions:
Inborn genetic diseases. Identifiers: MedGen C0950123, MeSH D030342.

Allele frequency attached by ClinVar (database versions not stated): gnomAD 0.00006 and 0.00005; ESP Exome Variant Server 0.00008; TOPMed 0.00006.
gnomAD v4.1: 65 of 1,614,026 alleles (0.004%); highest among the groups gnomAD compares: Non-Finnish European, 0.0055%; no homozygotes.

Submissions (3):

Ambry Genetics
Classification: Uncertain significance for Inborn genetic diseases. Last evaluated: 2025-04-13. Review status: criteria provided, single submitter. Criteria: Ambry Variant Classification Scheme 2023. Collection method: clinical testing. Allele origin: germline.

Labcorp Genetics (formerly Invitae), Labcorp
Classification: Uncertain significance. Last evaluated: 2024-09-19. Review status: criteria provided, single submitter. Criteria: Invitae Variant Classification Sherloc (09022015). Collection method: clinical testing. Allele origin: germline.
Comment: This sequence change replaces leucine, which is neutral and non-polar, with valine, which is neutral and non-polar, at codon 559 of the NLRP1 protein (p.Leu559Val). This variant is present in population databases (rs201536173, gnomAD 0.007%). This variant has not been reported in the literature in individuals affected with NLRP1-related conditions. ClinVar contains an entry for this variant (Variation ID: 451700). An algorithm developed to predict the effect of missense changes on protein structure and function (PolyPhen-2) suggests that this variant is likely to be disruptive. In summary, the available evidence is currently insufficient to determine the role of this variant in disease. Therefore, it has been classified as a Variant of Uncertain Significance.

GeneDx
Classification: Uncertain significance. Last evaluated: 2019-09-23. Review status: criteria provided, single submitter. Criteria: GeneDx Variant Classification Process June 2021. Collection method: clinical testing. Allele origin: germline. Affected: yes.
Comment: Not observed at a significant frequency in large population cohorts (Lek et al., 2016); In silico analysis, which includes protein predictors and evolutionary conservation, supports that this variant does not alter protein structure/function; Has not been previously published as pathogenic or benign to our knowledge

NM_033004.4(NLRP1):c.1675C>G (p.Leu559Val)

Gene: NLRP1 (NLR family pyrin domain containing 1; minus strand). Cytogenetic location: 17p13.2.
Variant type: single nucleotide variant.
Coding change: c.1675C>G on transcript NM_033004.4 (MANE Select); coding-DNA position 1675, C replaced by G.
Protein change: p.Leu559Val; replaces leucine 559 with valine.
Molecular consequence: missense variant.
Genome position (GRCh38, 1-based): chr17:5,559,021, G>C on the plus strand (C>G on the coding strand, the complement: NLRP1 is on the minus strand). VCF-style: chr17-5559021-G-C. GRCh37 (hg19) VCF-style: chr17-5462341-G-C.
Other names: c.1675C>G, p.Leu559Val (NM_001033053.3, NM_014922.5, NM_033006.4 and 1 more transcripts); short protein forms L559V.
Identifiers: ClinVar variation 451700 (VCV000451700.7), dbSNP rs201536173, ClinGen allele CA8327342.